The following is an entry in ClinVar:

NM_000245.4(MET):c.3228G>A (p.Leu1076=)

Gene: MET (MET proto-oncogene, receptor tyrosine kinase; plus strand). Cytogenetic location: 7q31.2.
Variant type: single nucleotide variant.
Coding change: c.3228G>A on transcript NM_000245.4 (MANE Select); coding-DNA position 3228, G replaced by A.
Protein change: p.Leu1076=; no amino-acid change (leucine 1076 retained).
Molecular consequence: synonymous variant.
Genome position (GRCh38, 1-based): chr7:116,775,080, G>A. VCF-style: chr7-116775080-G-A. GRCh37 (hg19) VCF-style: chr7-116415134-G-A.
Other names: c.3282G>A, p.Leu1094= (NM_001127500.3); c.1938G>A, p.Leu646= (NM_001324402.2).
Identifiers: ClinVar variation 3773367 (VCV003773367.1).

ClinVar aggregate classification (germline): Benign (1 of 4 stars; one submission).

Conditions:
Papillary renal cell carcinoma type 1 (RCCP1). Also called: Renal adenocarcinoma; Renal cell carcinoma 1; Renal cell carcinoma, somatic; RENAL CELL CARCINOMA, PAPILLARY, 1, SOMATIC. Identifiers: Orphanet 47044, MedGen C1336839, OMIM 605074, HP:0011797.

Submission:

Myriad Genetics, Inc.
Classification: Benign for Papillary renal cell carcinoma type 1. Last evaluated: 2024-11-13. Review status: criteria provided, single submitter. Criteria: Myriad Autosomal Dominant, Autosomal Recessive and X-Linked Classification Criteria (2023). Collection method: clinical testing. Allele origin: unknown.
Comment: This variant is considered benign. This variant is a silent/synonymous amino acid change and it is not expected to impact splicing.